The following is an entry in ClinVar:

NM_000330.4(RS1):c.327-2_337del

Genes: CDKL5 (cyclin dependent kinase like 5; plus strand), RS1 (retinoschisin 1; minus strand). Cytogenetic location: Xp22.13.
Variant type: Deletion.
Coding change: c.327-2_337del on transcript NM_000330.4 (MANE Select); the canonical splice acceptor site of the intron before coding-DNA position 327 through coding-DNA position 337, 13 bases deleted (AGGTGTGCCTGGC).
Molecular consequence: splice acceptor variant. On other transcripts: intron variant (2).
Genome position (GRCh38, 1-based): chrX:18,644,615-18,644,627, GCCAGGCACACCT deleted on the plus strand (AGGTGTGCCTGGC on the coding strand, the reverse complement: RS1 is on the minus strand); deleting any 13 consecutive bases within chrX:18,644,615-18,644,630 gives the same sequence; the c. name uses the placement nearest the transcript's 3' end. VCF-style (leftmost placement, unchanged base first): chrX-18644614-AGCCAGGCACACCT-A. GRCh37 (hg19) VCF-style: chrX-18662734-AGCCAGGCACACCT-A.
Other names: c.2714-1389_2714-1377del (NM_003159.3, NM_001037343.2).
Identifiers: ClinVar variation 2819487 (VCV002819487.3), dbSNP rs2518920133, ClinGen allele CA2739268092.

ClinVar aggregate classification (germline): Pathogenic (1 of 4 stars; one submission).

Submission:

Labcorp Genetics (formerly Invitae), Labcorp
Classification: Pathogenic. Last evaluated: 2022-12-08. Review status: criteria provided, single submitter. Criteria: Invitae Variant Classification Sherloc (09022015). Collection method: clinical testing. Allele origin: germline.
Comment: This variant has not been reported in the literature in individuals affected with RS1-related conditions. This variant is not present in population databases (gnomAD no frequency). This variant results in the deletion of part of exon 5 (c.327-2_337del) of the RS1 gene. It is expected to disrupt RNA splicing. Variants that disrupt the donor or acceptor splice site typically lead to a loss of protein function (PMID: 16199547), and loss-of-function variants in RS1 are known to be pathogenic (PMID: 9618178, 17172462). Algorithms developed to predict the effect of sequence changes on RNA splicing suggest that this variant may disrupt the consensus splice site. For these reasons, this variant has been classified as Pathogenic. This variant disrupts a region of the RS1 protein in which other variant(s) (p.Ala111Val) have been determined to be pathogenic (Invitae). This suggests that this is a clinically significant region of the protein, and that variants that disrupt it are likely to be disease-causing.

Literature cited by the submitters: PubMed 16199547; PubMed 9618178; PubMed 17172462.